The following is an entry in ClinVar:

ClinVar aggregate classification (germline): Uncertain significance. Review status: criteria provided, multiple submitters, no conflicts (2 of 4 stars). 5 submissions from 5 submitters: Uncertain significance (4). 1 of the submissions does not count toward it. Last evaluated 2025-09-06.

Conditions:
Hereditary cancer-predisposing syndrome. Also called: Tumor predisposition; Neoplastic Syndromes, Hereditary; Hereditary neoplastic syndrome; Hereditary Cancer Syndrome. Identifiers: Orphanet 140162, MedGen C0027672, MeSH D009386, MONDO:0015356.
Lynch-like syndrome.
Hereditary nonpolyposis colorectal neoplasms. Identifiers: MedGen C0009405, MeSH D003123.

Allele frequency attached by ClinVar (database versions not stated): gnomAD exomes below 0.00001.

Submissions (5):

Labcorp Genetics (formerly Invitae), Labcorp
Classification: Uncertain significance for Hereditary nonpolyposis colorectal neoplasms. Last evaluated: 2025-09-06. Review status: criteria provided, single submitter. Criteria: Invitae Variant Classification Sherloc (09022015). Collection method: clinical testing. Allele origin: germline.
Comment: This sequence change replaces serine, which is neutral and polar, with proline, which is neutral and non-polar, at codon 586 of the PMS2 protein (p.Ser586Pro). This variant is not present in population databases (gnomAD no frequency). This variant has not been reported in the literature in individuals affected with PMS2-related conditions. ClinVar contains an entry for this variant (Variation ID: 631003). Invitae Evidence Modeling incorporating data from in vitro experimental studies (internal data) indicates that this missense variant is not expected to disrupt PMS2 function with a negative predictive value of 95%. In summary, the available evidence is currently insufficient to determine the role of this variant in disease. Therefore, it has been classified as a Variant of Uncertain Significance.

Ambry Genetics
Classification: Uncertain significance for Hereditary cancer-predisposing syndrome. Last evaluated: 2024-12-31. Review status: criteria provided, single submitter. Criteria: Ambry Variant Classification Scheme 2023. Collection method: clinical testing. Allele origin: germline.
Comment: The p.S586P variant (also known as c.1756T>C), located in coding exon 11 of the PMS2 gene, results from a T to C substitution at nucleotide position 1756. The serine at codon 586 is replaced by proline, an amino acid with similar properties. This amino acid position is conserved. In addition, this alteration is predicted to be tolerated by in silico analysis. Based on the available evidence, the clinical significance of this variant remains unclear.

Color Diagnostics, LLC DBA Color Health
Classification: Uncertain significance for Hereditary cancer-predisposing syndrome. Last evaluated: 2024-03-06. Review status: criteria provided, single submitter. Criteria: ACMG Guidelines, 2015. Collection method: clinical testing. Allele origin: germline.
Comment: This missense variant replaces serine with proline at codon 586 of the PMS2 protein. Computational prediction suggests that this variant may not impact protein structure and function (internally defined REVEL score threshold <= 0.5, PMID: 27666373). To our knowledge, functional studies have not been reported for this variant. This variant has not been reported in individuals affected with PMS2-related disorders in the literature. This variant has not been identified in the general population by the Genome Aggregation Database (gnomAD). The available evidence is insufficient to determine the role of this variant in disease conclusively. Therefore, this variant is classified as a Variant of Uncertain Significance.

Clinical Genetics Laboratory, Skane University Hospital Lund
Classification: Uncertain significance. Last evaluated: 2023-02-23. Review status: criteria provided, single submitter. Criteria: ACMG Guidelines, 2015. Collection method: clinical testing. Allele origin: germline. Affected: yes.

Constitutional Genetics Lab, Leon Berard Cancer Center
Classification: Uncertain significance for Lynch-like syndrome. Last evaluated: 2019-07-01. Review status: no assertion criteria provided. Collection method: clinical testing. Allele origin: somatic. Affected: yes. Not counted in ClinVar's aggregate classification.

NM_000535.7(PMS2):c.1756T>C (p.Ser586Pro)

Gene: PMS2 (PMS1 homolog 2, mismatch repair system component; minus strand). Cytogenetic location: 7p22.1.
Variant type: single nucleotide variant.
Coding change: c.1756T>C on transcript NM_000535.7 (MANE Select); coding-DNA position 1756, T replaced by C.
Protein change: p.Ser586Pro; replaces serine 586 with proline.
Molecular consequence: missense variant. On other transcripts: non-coding transcript variant (1).
Genome position (GRCh38, 1-based): chr7:5,987,009, A>G on the plus strand (T>C on the coding strand, the complement: PMS2 is on the minus strand). VCF-style: chr7-5987009-A-G. GRCh37 (hg19) VCF-style: chr7-6026640-A-G.
Other names: c.1351T>C, p.Ser451Pro (NM_001322003.2, NM_001322004.2, NM_001322005.2 and 1 more transcripts); c.1600T>C, p.Ser534Pro (NM_001322006.2); c.1438T>C, p.Ser480Pro (NM_001322007.2, NM_001322008.2); c.1195T>C, p.Ser399Pro (NM_001322010.2); c.823T>C, p.Ser275Pro (NM_001322011.2, NM_001322012.2); c.1183T>C, p.Ser395Pro (NM_001322013.2); c.1756T>C, p.Ser586Pro (NM_001322014.2); c.1447T>C, p.Ser483Pro (NM_001322015.2); short protein forms S586P, S275P, S399P, S534P, S395P, S451P, S480P, S483P.
Identifiers: ClinVar variation 631003 (VCV000631003.17), dbSNP rs1562627766, ClinGen allele CA366740012.